The following is an entry in ClinVar:

NM_001793.6(CDH3):c.299G>A (p.Arg100His)

Gene: CDH3 (cadherin 3; plus strand). Cytogenetic location: 16q22.1.
Variant type: single nucleotide variant.
Coding change: c.299G>A on transcript NM_001793.6 (MANE Select); coding-DNA position 299, G replaced by A.
Protein change: p.Arg100His; replaces arginine 100 with histidine.
Molecular consequence: missense variant.
Genome position (GRCh38, 1-based): chr16:68,678,186, G>A. VCF-style: chr16-68678186-G-A. GRCh37 (hg19) VCF-style: chr16-68712089-G-A.
Other names: c.299G>A, p.Arg100His (NM_001317195.3); c.134G>A, p.Arg45His (NM_001317196.2); short protein forms R45H, R100H.
Identifiers: ClinVar variation 1040876 (VCV001040876.4), dbSNP rs757633932, ClinGen allele CA8128990.
Genomic context (GRCh38, chr16:68,678,186, plus strand): 5'-CCTTGCAGGAAAGAAGGTCACTGAAGGAAAGGAATCCATTGAAGATCTTCCCATCCAAAC[G>A]TATCTTACGAAGACACAAGAGAGATTGGGTGGTTGCTCCAATATCTGTCCCTGAAAATGG-3'
Protein context (NP_001784.2, residues 90-110): RNPLKIFPSK[Arg100His]ILRRHKRDWV

ClinVar aggregate classification (germline): Uncertain significance (1 of 4 stars; one submission).

Allele frequency attached by ClinVar (database versions not stated): gnomAD 0.00001 and 0.00002; TOPMed 0.00002.
gnomAD v4.1: 16 of 1,613,570 alleles (0.00099%); highest among the groups gnomAD compares: South Asian, 0.0033%; no homozygotes.

Submission:

Labcorp Genetics (formerly Invitae), Labcorp
Classification: Uncertain significance. Last evaluated: 2021-11-28. Review status: criteria provided, single submitter. Criteria: Invitae Variant Classification Sherloc (09022015). Collection method: clinical testing. Allele origin: germline.
Comment: This sequence change replaces arginine, which is basic and polar, with histidine, which is basic and polar, at codon 100 of the CDH3 protein (p.Arg100His). This variant is present in population databases (rs757633932, gnomAD 0.003%). This variant has not been reported in the literature in individuals affected with CDH3-related conditions. ClinVar contains an entry for this variant (Variation ID: 1040876). Algorithms developed to predict the effect of missense changes on protein structure and function output the following: SIFT: "Not Available"; PolyPhen-2: "Benign"; Align-GVGD: "Not Available". The histidine amino acid residue is found in multiple mammalian species, which suggests that this missense change does not adversely affect protein function. In summary, the available evidence is currently insufficient to determine the role of this variant in disease. Therefore, it has been classified as a Variant of Uncertain Significance.